The following is an entry in ClinVar:

NM_145290.4(ADGRA3):c.2506A>G (p.Thr836Ala)

Gene: ADGRA3 (adhesion G protein-coupled receptor A3; minus strand). Cytogenetic location: 4p15.2.
Variant type: single nucleotide variant.
Coding change: c.2506A>G on transcript NM_145290.4 (MANE Select); coding-DNA position 2506, A replaced by G.
Protein change: p.Thr836Ala; replaces threonine 836 with alanine.
Molecular consequence: missense variant.
Genome position (GRCh38, 1-based): chr4:22,392,666, T>C on the plus strand (A>G on the coding strand, the complement: ADGRA3 is on the minus strand). VCF-style: chr4-22392666-T-C. GRCh37 (hg19) VCF-style: chr4-22394289-T-C.
Other names: short protein forms T836A.
Identifiers: ClinVar variation 1720610 (VCV001720610.5), dbSNP rs1208009143, ClinGen allele CA356476269.

ClinVar aggregate classification (germline): Uncertain significance (1 of 4 stars; one submission).

Allele frequency attached by ClinVar (database versions not stated): gnomAD exomes below 0.00001; gnomAD 0.00001.
gnomAD v4.1: 7 of 1,613,114 alleles (0.00043%); highest among the groups gnomAD compares: Non-Finnish European, 0.00059%; no homozygotes.

Submission:

Labcorp Genetics (formerly Invitae), Labcorp
Classification: Uncertain significance. Last evaluated: 2022-12-22. Review status: criteria provided, single submitter. Criteria: Invitae Variant Classification Sherloc (09022015). Collection method: clinical testing. Allele origin: germline.
Comment: This variant has not been reported in the literature in individuals affected with ADGRA3-related conditions. This sequence change replaces threonine, which is neutral and polar, with alanine, which is neutral and non-polar, at codon 836 of the ADGRA3 protein (p.Thr836Ala). The frequency data for this variant in the population databases is considered unreliable, as metrics indicate poor data quality at this position in the gnomAD database. ClinVar contains an entry for this variant (Variation ID: 1720610). Algorithms developed to predict the effect of missense changes on protein structure and function are either unavailable or do not agree on the potential impact of this missense change (SIFT: "Tolerated"; PolyPhen-2: "Probably Damaging"; Align-GVGD: "Class C0"). In summary, the available evidence is currently insufficient to determine the role of this variant in disease. Therefore, it has been classified as a Variant of Uncertain Significance.